The following is an entry in ClinVar:

NM_002292.4(LAMB2):c.1559G>A (p.Arg520His)

Gene: LAMB2 (laminin subunit beta 2; minus strand). Cytogenetic location: 3p21.31.
Variant type: single nucleotide variant.
Coding change: c.1559G>A on transcript NM_002292.4 (MANE Select); coding-DNA position 1559, G replaced by A.
Protein change: p.Arg520His; replaces arginine 520 with histidine.
Molecular consequence: missense variant.
Genome position (GRCh38, 1-based): chr3:49,129,284, C>T on the plus strand (G>A on the coding strand, the complement: LAMB2 is on the minus strand). VCF-style: chr3-49129284-C-T. GRCh37 (hg19) VCF-style: chr3-49166717-C-T.
Other names: p.Arg520His; short protein forms R520H.
Identifiers: ClinVar variation 646481 (VCV000646481.12), dbSNP rs148333147, ClinGen allele CA2394559.

ClinVar aggregate classification (germline): Uncertain significance. Review status: criteria provided, multiple submitters, no conflicts (2 of 4 stars). 4 submissions from 4 submitters: Uncertain significance (4). Last evaluated 2025-10-02.

Conditions:
Pierson syndrome. Also called: MICROCORIA-CONGENITAL NEPHROTIC SYNDROME. Identifiers: Orphanet 2670, MedGen C1836876, MONDO:0012184, OMIM 609049.
LAMB2-related infantile-onset nephrotic syndrome. Also called: NEPHROTIC SYNDROME, TYPE 5, WITHOUT OCULAR ABNORMALITIES; NEPHROTIC SYNDROME, TYPE 5, WITH OCULAR ABNORMALITIES; Nephrotic Syndrome, type 5. Identifiers: Orphanet 306507, MedGen C3280113, MONDO:0013621, OMIM 614199.
Inborn genetic diseases. Identifiers: MedGen C0950123, MeSH D030342.

Allele frequency attached by ClinVar (database versions not stated): gnomAD exomes 0.00001 and 0.00002; ExAC 0.00003; TOPMed 0.00008; gnomAD 0.00010 and 0.00011; ESP Exome Variant Server 0.00015; 1000 Genomes Project 30x 0.00016; 1000 Genomes Project 0.00020.
gnomAD v4.1: 39 of 1,613,646 alleles (0.0024%); highest among the groups gnomAD compares: African/African-American, 0.02%; no homozygotes.

Submissions (4):

Labcorp Genetics (formerly Invitae), Labcorp
Classification: Uncertain significance for LAMB2-related infantile-onset nephrotic syndrome; Pierson syndrome. Last evaluated: 2025-10-02. Review status: criteria provided, single submitter. Criteria: Invitae Variant Classification Sherloc (09022015). Collection method: clinical testing. Allele origin: germline.
Comment: This sequence change replaces arginine, which is basic and polar, with histidine, which is basic and polar, at codon 520 of the LAMB2 protein (p.Arg520His). This variant is present in population databases (rs148333147, gnomAD 0.02%). This variant has not been reported in the literature in individuals affected with LAMB2-related conditions. ClinVar contains an entry for this variant (Variation ID: 646481). An algorithm developed to predict the effect of missense changes on protein structure and function (PolyPhen-2) suggests that this variant is likely to be disruptive. In summary, the available evidence is currently insufficient to determine the role of this variant in disease. Therefore, it has been classified as a Variant of Uncertain Significance.

Fulgent Genetics
Classification: Uncertain significance for Pierson syndrome; LAMB2-related infantile-onset nephrotic syndrome. Last evaluated: 2024-02-05. Review status: criteria provided, single submitter. Criteria: ACMG Guidelines, 2015. Collection method: clinical testing. Allele origin: germline.

Mayo Clinic Laboratories, Mayo Clinic
Classification: Uncertain significance. Last evaluated: 2023-12-12. Review status: criteria provided, single submitter. Criteria: ACMG Guidelines, 2015. Collection method: clinical testing. Allele origin: germline. Observed: 3 variant alleles.
Comment: BP4

Ambry Genetics
Classification: Uncertain significance for Inborn genetic diseases. Last evaluated: 2023-06-12. Review status: criteria provided, single submitter. Criteria: Ambry Variant Classification Scheme 2023. Collection method: clinical testing. Allele origin: germline.